The following is an entry in ClinVar:

ClinVar aggregate classification (germline): Uncertain significance (1 of 4 stars; one submission).

Allele frequency attached by ClinVar (database versions not stated): gnomAD 0.00001; gnomAD exomes 0.00001; TOPMed 0.00001.
gnomAD v4.1: 10 of 1,613,140 alleles (0.00062%); highest among the groups gnomAD compares: Non-Finnish European, 0.00085%; no homozygotes.

Submission:

Labcorp Genetics (formerly Invitae), Labcorp
Classification: Uncertain significance. Last evaluated: 2021-06-19. Review status: criteria provided, single submitter. Criteria: Invitae Variant Classification Sherloc (09022015). Collection method: clinical testing. Allele origin: germline.
Comment: This variant is not present in population databases (ExAC no frequency). In summary, the available evidence is currently insufficient to determine the role of this variant in disease. Therefore, it has been classified as a Variant of Uncertain Significance. Algorithms developed to predict the effect of missense changes on protein structure and function are either unavailable or do not agree on the potential impact of this missense change (SIFT: "Not Available"; PolyPhen-2: "Benign"; Align-GVGD: "Not Available"). This variant has not been reported in the literature in individuals with POLR1A-related conditions. This sequence change replaces aspartic acid with asparagine at codon 239 of the POLR1A protein (p.Asp239Asn). The aspartic acid residue is weakly conserved and there is a small physicochemical difference between aspartic acid and asparagine.

NM_015425.6(POLR1A):c.715G>A (p.Asp239Asn)

Gene: POLR1A (RNA polymerase I subunit A; minus strand). Cytogenetic location: 2p11.2.
Variant type: single nucleotide variant.
Coding change: c.715G>A on transcript NM_015425.6 (MANE Select); coding-DNA position 715, G replaced by A.
Protein change: p.Asp239Asn; replaces aspartic acid 239 with asparagine.
Molecular consequence: missense variant.
Genome position (GRCh38, 1-based): chr2:86,088,581, C>T on the plus strand (G>A on the coding strand, the complement: POLR1A is on the minus strand). VCF-style: chr2-86088581-C-T. GRCh37 (hg19) VCF-style: chr2-86315704-C-T.
Other names: short protein forms D239N.
Identifiers: ClinVar variation 1428327 (VCV001428327.8), dbSNP rs1336111638, ClinGen allele CA347555549.